The following is an entry in ClinVar:

ClinVar aggregate classification (germline): Uncertain significance (1 of 4 stars; one submission).

Allele frequency attached by ClinVar (database versions not stated): gnomAD exomes below 0.00001; ExAC 0.00001.
gnomAD v4.1: 4 of 1,614,202 alleles (0.00025%); highest among the groups gnomAD compares: Non-Finnish European, 0.00034%; no homozygotes.

Submission:

Labcorp Genetics (formerly Invitae), Labcorp
Classification: Uncertain significance. Last evaluated: 2025-11-03. Review status: criteria provided, single submitter. Criteria: Invitae Variant Classification Sherloc (09022015). Collection method: clinical testing. Allele origin: germline.
Comment: This sequence change replaces aspartic acid, which is acidic and polar, with asparagine, which is neutral and polar, at codon 214 of the HTRA2 protein (p.Asp214Asn). This variant is present in population databases (rs777281349, gnomAD 0.0009%). This variant has not been reported in the literature in individuals affected with HTRA2-related conditions. ClinVar contains an entry for this variant (Variation ID: 1402011). Invitae Evidence Modeling of protein sequence and biophysical properties (such as structural, functional, and spatial information, amino acid conservation, physicochemical variation, residue mobility, and thermodynamic stability) indicates that this missense variant is not expected to disrupt HTRA2 protein function with a negative predictive value of 80%. In summary, the available evidence is currently insufficient to determine the role of this variant in disease. Therefore, it has been classified as a Variant of Uncertain Significance.

NM_013247.5(HTRA2):c.640G>A (p.Asp214Asn)

Genes: HTRA2 (HtrA serine peptidase 2; plus strand), LOC129934142 (ATAC-STARR-seq lymphoblastoid active region 16074; plus strand). Cytogenetic location: 2p13.1.
Variant type: single nucleotide variant.
Coding change: c.640G>A on transcript NM_013247.5 (MANE Select); coding-DNA position 640, G replaced by A.
Protein change: p.Asp214Asn; replaces aspartic acid 214 with asparagine.
Molecular consequence: missense variant. On other transcripts: non-coding transcript variant (4).
Genome position (GRCh38, 1-based): chr2:74,530,750, G>A. VCF-style: chr2-74530750-G-A. GRCh37 (hg19) VCF-style: chr2-74757877-G-A.
Other names: c.640G>A, p.Asp214Asn (NM_001321727.1, NM_001321728.1, NM_145074.2); short protein forms D214N.
Identifiers: ClinVar variation 1402011 (VCV001402011.8), dbSNP rs777281349, ClinGen allele CA1728399.